The following is an entry in ClinVar:

ClinVar aggregate classification (germline): Pathogenic (1 of 4 stars; one submission).

Conditions:
Neurofibromatosis, type 1 (NF1). Also called: VON RECKLINGHAUSEN DISEASE; Neurofibromatosis, type I; Peripheral type neurofibromatosis; NEUROFIBROMATOSIS, TYPE I, SOMATIC. Identifiers: Orphanet 636, MedGen C0027831, MONDO:0018975, OMIM 162200. Disease mechanism: loss of function.

Submission:

Labcorp Genetics (formerly Invitae), Labcorp
Classification: Pathogenic for Neurofibromatosis, type 1. Last evaluated: 2025-06-09. Review status: criteria provided, single submitter. Criteria: Invitae Variant Classification Sherloc (09022015). Collection method: clinical testing. Allele origin: germline.
Comment: This sequence change inserts a large fragment of DNA, likely a transposable element, in intron 14 of the NF1 gene (c.1642-12_c.1642-11ins?). The exact size and sequence of the insertion cannot be determined by the current assay. However, the insertion is not expected to directly change the encoded amino acid sequence of the NF1 protein. This variant is not present in population databases (gnomAD no frequency). A similar variant has been observed in individual(s) with neurofibromatosis type 1 (internal data). In at least one individual the variant was observed to be de novo. This variant is also known as c.1645_1646ins?. Retrotransposon insertions including LINE1 (L1), Alu, and SVA (SINE-VNTR-Alu) have been reported to disrupt protein function (PMID: 19763152, 20307669, 22406018). However the effect of this particular variant is unknown. For these reasons, this variant has been classified as Pathogenic.

Literature cited by the submitters: PubMed 19763152; PubMed 20307669; PubMed 22406018.

NC_000017.11:g.31221839_31221853A[6]TTCAGGCTCGGCCGGGCGCGGTGGCTCACGCCTGTAATCCCNNNNNNNNNNAAAAAAAAAAAAAAAAAAAAAAAAAATTCAGGCTC[1]

Gene: NF1 (neurofibromin 1; plus strand). Cytogenetic location: 17q11.2.
Variant type: Microsatellite.
Genome position: GRCh38: chr17:31,221,839-31,221,853. GRCh37 (hg19), VCF-style position (the base before the change): chr17:29,548,856.
Identifiers: ClinVar variation 2851247 (VCV002851247.3).